The following is an entry in ClinVar:

ClinVar aggregate classification (germline): Uncertain significance. Review status: criteria provided, multiple submitters, no conflicts (2 of 4 stars). 2 submissions from 2 submitters: Uncertain significance (2). Last evaluated 2024-04-22.

Conditions:
Maturity-onset diabetes of the young type 6 (MODY6). Identifiers: Orphanet 552, MedGen C1853371, MONDO:0011668, OMIM 606394.
Type 2 diabetes mellitus. Also called: Type II diabetes mellitus. Identifiers: MedGen C0011860, MeSH D003924, MONDO:0005148, OMIM 125853, HP:0005978.

Submissions (2):

Fulgent Genetics
Classification: Uncertain significance for Type 2 diabetes mellitus; Maturity-onset diabetes of the young type 6. Last evaluated: 2024-04-22. Review status: criteria provided, single submitter. Criteria: ACMG Guidelines, 2015. Collection method: clinical testing. Allele origin: germline.

Labcorp Genetics (formerly Invitae), Labcorp
Classification: Uncertain significance. Last evaluated: 2024-01-28. Review status: criteria provided, single submitter. Criteria: Invitae Variant Classification Sherloc (09022015). Collection method: clinical testing. Allele origin: germline.
Comment: This sequence change replaces histidine, which is basic and polar, with glutamine, which is neutral and polar, at codon 238 of the NEUROD1 protein (p.His238Gln). This variant is present in population databases (no rsID available, gnomAD 0.002%). This variant has not been reported in the literature in individuals affected with NEUROD1-related conditions. ClinVar contains an entry for this variant (Variation ID: 1956507). Advanced modeling of protein sequence and biophysical properties (such as structural, functional, and spatial information, amino acid conservation, physicochemical variation, residue mobility, and thermodynamic stability) performed at Invitae indicates that this missense variant is not expected to disrupt NEUROD1 protein function with a negative predictive value of 80%. In summary, the available evidence is currently insufficient to determine the role of this variant in disease. Therefore, it has been classified as a Variant of Uncertain Significance.

NM_002500.5(NEUROD1):c.714T>G (p.His238Gln)

Gene: NEUROD1 (neuronal differentiation 1; minus strand). Cytogenetic location: 2q31.3.
Variant type: single nucleotide variant.
Coding change: c.714T>G on transcript NM_002500.5 (MANE Select); coding-DNA position 714, T replaced by G.
Protein change: p.His238Gln; replaces histidine 238 with glutamine.
Molecular consequence: missense variant.
Genome position (GRCh38, 1-based): chr2:181,678,147, A>C on the plus strand (T>G on the coding strand, the complement: NEUROD1 is on the minus strand). VCF-style: chr2-181678147-A-C. GRCh37 (hg19) VCF-style: chr2-182542874-A-C.
Other names: short protein forms H238Q.
Identifiers: ClinVar variation 1956507 (VCV001956507.6), dbSNP rs770828405, ClinGen allele CA349783225.